The following is an entry in ClinVar:

NM_000059.4(BRCA2):c.3681G>A (p.Leu1227=)

Gene: BRCA2 (BRCA2 DNA repair associated; plus strand). Cytogenetic location: 13q13.1.
Variant type: single nucleotide variant.
Coding change: c.3681G>A on transcript NM_000059.4 (MANE Select); coding-DNA position 3681, G replaced by A.
Protein change: p.Leu1227=; no amino-acid change (leucine 1227 retained).
Molecular consequence: synonymous variant.
Genome position (GRCh38, 1-based): chr13:32,338,036, G>A. VCF-style: chr13-32338036-G-A. GRCh37 (hg19) VCF-style: chr13-32912173-G-A.
Identifiers: ClinVar variation 254783 (VCV000254783.21), dbSNP rs758007548, ClinGen allele CA6940716.
Genomic context (GRCh38, chr13:32,338,036, plus strand): 5'-TTTAACAGATGAAAATGAAGTGGGGTTTAGGGGCTTTTATTCTGCTCATGGCACAAAACT[G>A]AATGTTTCTACTGAAGCTCTGCAAAAAGCTGTGAAACTGTTTAGTGATATTGAGAATATT-3'
Protein context (NP_000050.3, residues 1217-1237): RGFYSAHGTK[Leu1227=]NVSTEALQKA

ClinVar aggregate classification (germline): Likely benign. Review status: reviewed by expert panel (3 of 4 stars). 8 submissions from 8 submitters: Likely benign (1). 7 of the submissions do not count toward it. Last evaluated 2017-06-29.

Conditions:
Hereditary cancer-predisposing syndrome. Also called: Tumor predisposition; Hereditary Cancer Syndrome; Neoplastic Syndromes, Hereditary; Hereditary neoplastic syndrome. Identifiers: Orphanet 140162, MedGen C0027672, MeSH D009386, MONDO:0015356.
Hereditary breast ovarian cancer syndrome. Also called: Hereditary breast and ovarian cancer; Breast and ovarian cancer; Hereditary breast and/or ovarian cancer syndrome; BRCA1- and BRCA2-Associated Hereditary Breast and Ovarian Cancer; Hereditary breast and ovarian cancer syndrome; Hereditary breast and ovarian cancer syndrome (HBOC). Identifiers: Orphanet 145, MedGen C0677776, MeSH D061325, MONDO:0003582. Disease mechanism: loss of function.
Breast-ovarian cancer, familial, susceptibility to, 2 (BROVCA2). Also called: BRCA2 Hereditary Breast and Ovarian Cancer. Identifiers: Orphanet 145, MedGen C2675520, MONDO:0012933, OMIM 612555. Disease mechanism: loss of function.

Allele frequency attached by ClinVar (database versions not stated): ExAC 0.00001.

Submissions (8):

Evidence-based Network for the Interpretation of Germline Mutant Alleles (ENIGMA)
Classification: Likely benign for Breast-ovarian cancer, familial, susceptibility to, 2. Last evaluated: 2017-06-29. Review status: reviewed by expert panel. Criteria: ENIGMA BRCA1/2 Classification Criteria (2017-06-29). Collection method: curation. Allele origin: germline.
Comment: Synonymous substitution variant, with low bioinformatic likelihood to result in a splicing aberration (Splicing prior probability 0.02).

Labcorp Genetics (formerly Invitae), Labcorp
Classification: Likely benign for Hereditary breast ovarian cancer syndrome. Last evaluated: 2025-08-05. Review status: criteria provided, single submitter. Criteria: Invitae Variant Classification Sherloc (09022015). Collection method: clinical testing. Allele origin: germline. Not counted in ClinVar's aggregate classification.

Color Diagnostics, LLC DBA Color Health
Classification: Likely benign for Hereditary cancer-predisposing syndrome. Last evaluated: 2024-12-23. Review status: criteria provided, single submitter. Criteria: ACMG Guidelines, 2015. Collection method: clinical testing. Allele origin: germline. Not counted in ClinVar's aggregate classification.

Women's Health and Genetics/Laboratory Corporation of America, LabCorp
Classification: Likely benign. Last evaluated: 2023-07-12. Review status: criteria provided, single submitter. Criteria: LabCorp Variant Classification Summary - May 2015. Collection method: clinical testing. Allele origin: germline. Not counted in ClinVar's aggregate classification.

Ambry Genetics
Classification: Likely benign for Hereditary cancer-predisposing syndrome. Last evaluated: 2018-11-28. Review status: criteria provided, single submitter. Criteria: Ambry Variant Classification Scheme 2023. Collection method: clinical testing. Allele origin: germline. Not counted in ClinVar's aggregate classification.

Genetic Services Laboratory, University of Chicago
Classification: Likely benign. Last evaluated: 2017-09-01. Review status: criteria provided, single submitter. Criteria: ACMG Guidelines, 2015. Collection method: clinical testing. Allele origin: germline. Affected: no. Not counted in ClinVar's aggregate classification.

GeneDx
Classification: Likely benign. Last evaluated: 2016-05-25. Review status: criteria provided, single submitter. Criteria: GeneDx Variant Classification (06012015). Collection method: clinical testing. Allele origin: germline. Affected: yes. Not counted in ClinVar's aggregate classification.
Comment: This variant is considered likely benign or benign based on one or more of the following criteria: it is a conservative change, it occurs at a poorly conserved position in the protein, it is predicted to be benign by multiple in silico algorithms, and/or has population frequency not consistent with disease.

PreventionGenetics, part of Exact Sciences
Classification: Likely benign. Review status: criteria provided, single submitter. Criteria: ACMG Guidelines, 2015. Collection method: clinical testing. Allele origin: germline. Not counted in ClinVar's aggregate classification.